The following is an entry in ClinVar:

NM_000548.5(TSC2):c.1323G>C (p.Trp441Cys)

Gene: TSC2 (TSC complex subunit 2; plus strand). Cytogenetic location: 16p13.3.
Variant type: single nucleotide variant.
Coding change: c.1323G>C on transcript NM_000548.5 (MANE Select); coding-DNA position 1323, G replaced by C.
Protein change: p.Trp441Cys; replaces tryptophan 441 with cysteine.
Molecular consequence: missense variant. On other transcripts: non-coding transcript variant (5), 5 prime UTR variant (10).
Genome position (GRCh38, 1-based): chr16:2,062,562, G>C. VCF-style: chr16-2062562-G-C. GRCh37 (hg19) VCF-style: chr16-2112563-G-C.
Other names: c.1212G>C, p.Trp404Cys (NM_001406670.1, NM_001406678.1, NM_001318827.2); c.1311G>C, p.Trp437Cys (NM_001406671.1, NM_001406673.1); c.1176G>C, p.Trp392Cys (NM_001406675.1, NM_001406676.1, NM_001406679.1 and 1 more transcripts); c.1266G>C, p.Trp422Cys (NM_001406677.1); c.723G>C, p.Trp241Cys (NM_001406680.1, NM_001318831.2, NM_001406682.1 and 6 more transcripts); c.861G>C, p.Trp287Cys (NM_001406681.1); c.1323G>C, p.Trp441Cys (NM_021055.3, NM_001077183.3, NM_001114382.3 and 6 more transcripts); c.1356G>C, p.Trp452Cys (NM_001318832.2); and 3 more; short protein forms W241C, W422C, W392C, W404C, W452C, W437C, W287C, W441C.
Identifiers: ClinVar variation 3811367 (VCV003811367.2).

ClinVar aggregate classification (germline): Uncertain significance (1 of 4 stars; one submission).

Conditions:
Hereditary cancer-predisposing syndrome. Also called: Hereditary Cancer Syndrome; Hereditary neoplastic syndrome; Neoplastic Syndromes, Hereditary; Tumor predisposition. Identifiers: Orphanet 140162, MedGen C0027672, MeSH D009386, MONDO:0015356.

Submission:

Ambry Genetics
Classification: Uncertain significance for Hereditary cancer-predisposing syndrome. Last evaluated: 2026-07-09. Review status: criteria provided, single submitter. Criteria: Ambry Variant Classification Scheme 2023. Collection method: clinical testing. Allele origin: germline.
Comment: The p.W441C variant (also known as c.1323G>C), located in coding exon 12 of the TSC2 gene, results from a G to C substitution at nucleotide position 1323. The tryptophan at codon 441 is replaced by cysteine, an amino acid with highly dissimilar properties. This amino acid position is conserved. In addition, this alteration is predicted to be deleterious by in silico analysis. Based on the available evidence, the clinical significance of this variant remains unclear.